The following is an entry in ClinVar:

ClinVar aggregate classification (germline): Uncertain significance (1 of 4 stars; one submission).

Conditions:
Renal cell carcinoma. Identifiers: Orphanet 217071, MedGen C0007134, MeSH D002292, MONDO:0005086, HP:0005584.

Submission:

Labcorp Genetics (formerly Invitae), Labcorp
Classification: Uncertain significance for Renal cell carcinoma. Last evaluated: 2021-03-02. Review status: criteria provided, single submitter. Criteria: Invitae Variant Classification Sherloc (09022015). Collection method: clinical testing. Allele origin: germline.
Comment: In summary, the available evidence is currently insufficient to determine the role of this variant in disease. Therefore, it has been classified as a Variant of Uncertain Significance. Algorithms developed to predict the effect of missense changes on protein structure and function output the following: SIFT: "Tolerated"; PolyPhen-2: "Benign"; Align-GVGD: "Class C0". The aspartic acid amino acid residue is found in multiple mammalian species, suggesting that this missense change does not adversely affect protein function. These predictions have not been confirmed by published functional studies and their clinical significance is uncertain. This variant has not been reported in the literature in individuals with MET-related conditions. This variant is not present in population databases (ExAC no frequency). This sequence change replaces glutamic acid with aspartic acid at codon 1079 of the MET protein (p.Glu1079Asp). The glutamic acid residue is moderately conserved and there is a small physicochemical difference between glutamic acid and aspartic acid.

NM_000245.4(MET):c.3183G>C (p.Glu1061Asp)

Gene: MET (MET proto-oncogene, receptor tyrosine kinase; plus strand). Cytogenetic location: 7q31.2.
Variant type: single nucleotide variant.
Coding change: c.3183G>C on transcript NM_000245.4 (MANE Select); coding-DNA position 3183, G replaced by C.
Protein change: p.Glu1061Asp; replaces glutamic acid 1061 with aspartic acid.
Molecular consequence: missense variant.
Genome position (GRCh38, 1-based): chr7:116,775,035, G>C. VCF-style: chr7-116775035-G-C. GRCh37 (hg19) VCF-style: chr7-116415089-G-C.
Other names: c.3237G>C, p.Glu1079Asp (NM_001127500.3); c.1893G>C, p.Glu631Asp (NM_001324402.2); short protein forms E1079D, E1061D, E631D.
Identifiers: ClinVar variation 1484976 (VCV001484976.8), dbSNP rs1554398889, ClinGen allele CA368988524.